The following is an entry in ClinVar:

NM_001018005.2(TPM1):c.439C>T (p.Gln147Ter)

Gene: TPM1 (tropomyosin 1; plus strand). Cytogenetic location: 15q22.2.
Variant type: single nucleotide variant.
Coding change: c.439C>T on transcript NM_001018005.2 (MANE Select); coding-DNA position 439, C replaced by T.
Protein change: p.Gln147Ter; replaces glutamine 147 with a stop codon.
Molecular consequence: nonsense.
Genome position (GRCh38, 1-based): chr15:63,059,627, C>T. VCF-style: chr15-63059627-C-T. GRCh37 (hg19) VCF-style: chr15-63351826-C-T.
Other names: c.439C>T, p.Gln147Ter (NM_000366.6, NM_001018004.2, NM_001018006.2 and 6 more transcripts); c.331C>T, p.Gln111Ter (NM_001018008.2, NM_001301289.2, NM_001330344.2 and 5 more transcripts); c.565C>T, p.Gln189Ter (NM_001365778.1); short protein forms Q189*, Q147*, Q111*.
Identifiers: ClinVar variation 1363250 (VCV001363250.6), dbSNP rs2140938088, ClinGen allele CA392722245.

ClinVar aggregate classification (germline): Uncertain significance (1 of 4 stars; one submission).

Conditions:
Hypertrophic cardiomyopathy. Also called: HYPERTROPHIC MYOCARDIOPATHY. Identifiers: Orphanet 217569, MedGen C0007194, MeSH D002312, MONDO:0005045, HP:0001639.

Submission:

Labcorp Genetics (formerly Invitae), Labcorp
Classification: Uncertain significance for Hypertrophic cardiomyopathy. Last evaluated: 2022-08-09. Review status: criteria provided, single submitter. Criteria: Invitae Variant Classification Sherloc (09022015). Collection method: clinical testing. Allele origin: germline.
Comment: In summary, the available evidence is currently insufficient to determine the role of this variant in disease. Therefore, it has been classified as a Variant of Uncertain Significance. Experimental studies and prediction algorithms are not available or were not evaluated, and the functional significance of this variant is currently unknown. ClinVar contains an entry for this variant (Variation ID: 1363250). This variant has not been reported in the literature in individuals affected with TPM1-related conditions. This variant is not present in population databases (gnomAD no frequency). This sequence change creates a premature translational stop signal (p.Gln147*) in the TPM1 gene. It is expected to result in an absent or disrupted protein product. However, the current clinical and genetic evidence is not sufficient to establish whether loss-of-function variants in TPM1 cause disease.